The following is an entry in ClinVar:

NM_000143.4(FH):c.738+265G>A

Gene: FH (fumarate hydratase; minus strand). Cytogenetic location: 1q43.
Variant type: single nucleotide variant.
Coding change: c.738+265G>A on transcript NM_000143.4 (MANE Select); 265 bases into the intron after coding-DNA position 738, G replaced by A.
Molecular consequence: intron variant.
Genome position (GRCh38, 1-based): chr1:241,508,338, C>T on the plus strand (G>A on the coding strand, the complement: FH is on the minus strand). VCF-style: chr1-241508338-C-T. GRCh37 (hg19) VCF-style: chr1-241671638-C-T.
Identifiers: ClinVar variation 683908 (VCV000683908.1), dbSNP rs11802956, ClinGen allele CA10862399.

ClinVar aggregate classification (germline): Benign (1 of 4 stars; one submission).

Allele frequency attached by ClinVar (database versions not stated): 1000 Genomes Project 0.38179; 1000 Genomes Project 30x 0.38695; TOPMed 0.39577; gnomAD 0.40079 and 0.40494.
gnomAD v4.1: 60,964 of 151,986 alleles (40%); highest among the groups gnomAD compares: African/African-American, 44%; 12,325 homozygotes.

Submission:

GeneDx
Classification: Benign. Last evaluated: 2018-06-14. Review status: criteria provided, single submitter. Criteria: GeneDx Variant Classification (06012015). Collection method: clinical testing. Allele origin: germline. Affected: yes.
Comment: This variant is considered likely benign or benign based on one or more of the following criteria: it is a conservative change, it occurs at a poorly conserved position in the protein, it is predicted to be benign by multiple in silico algorithms, and/or has population frequency not consistent with disease.